The following is an entry in ClinVar:

ClinVar aggregate classification (germline): Uncertain significance. Review status: criteria provided, multiple submitters, no conflicts (2 of 4 stars). 2 submissions from 2 submitters: Uncertain significance (2). Last evaluated 2024-05-17.

Conditions:
Cryopyrin associated periodic syndrome (CAPS). Identifiers: Orphanet 208650, MedGen C2316212, MONDO:0016168.

Allele frequency attached by ClinVar (database versions not stated): gnomAD exomes below 0.00001.
gnomAD v4.1: 1 of 1,614,168 alleles (0.000062%); highest among the groups gnomAD compares: East Asian, 0.0022%; no homozygotes.

Submissions (2):

GeneDx
Classification: Uncertain significance. Last evaluated: 2024-05-17. Review status: criteria provided, single submitter. Criteria: GeneDx Variant Classification Process June 2021. Collection method: clinical testing. Allele origin: germline. Affected: yes.
Comment: Not observed at significant frequency in large population cohorts (gnomAD); In silico analysis indicates that this missense variant does not alter protein structure/function; Has not been previously published as pathogenic or benign to our knowledge; This variant is associated with the following publications: (PMID: 19302049)

Labcorp Genetics (formerly Invitae), Labcorp
Classification: Uncertain significance for Cryopyrin associated periodic syndrome. Last evaluated: 2023-02-25. Review status: criteria provided, single submitter. Criteria: Invitae Variant Classification Sherloc (09022015). Collection method: clinical testing. Allele origin: germline.
Comment: This variant is not present in population databases (gnomAD no frequency). This variant has not been reported in the literature in individuals affected with NLRP3-related conditions. Advanced modeling of protein sequence and biophysical properties (such as structural, functional, and spatial information, amino acid conservation, physicochemical variation, residue mobility, and thermodynamic stability) has been performed at Invitae for this missense variant, however the output from this modeling did not meet the statistical confidence thresholds required to predict the impact of this variant on NLRP3 protein function. In summary, the available evidence is currently insufficient to determine the role of this variant in disease. Therefore, it has been classified as a Variant of Uncertain Significance. This sequence change replaces aspartic acid, which is acidic and polar, with asparagine, which is neutral and polar, at codon 363 of the NLRP3 protein (p.Asp363Asn).

NM_001243133.2(NLRP3):c.1081G>A (p.Asp361Asn)

Gene: NLRP3 (NLR family pyrin domain containing 3; plus strand). Cytogenetic location: 1q44.
Variant type: single nucleotide variant.
Coding change: c.1081G>A on transcript NM_001243133.2 (MANE Select); coding-DNA position 1081, G replaced by A.
Protein change: p.Asp361Asn; replaces aspartic acid 361 with asparagine.
Molecular consequence: missense variant.
Genome position (GRCh38, 1-based): chr1:247,424,530, G>A. VCF-style: chr1-247424530-G-A. GRCh37 (hg19) VCF-style: chr1-247587832-G-A.
Other names: c.1081G>A, p.Asp361Asn (NM_001079821.3, NM_001127461.3, NM_001127462.3 and 1 more transcripts); c.1087G>A, p.Asp363Asn (NM_004895.5); short protein forms D363N, D361N.
Identifiers: ClinVar variation 2827049 (VCV002827049.4), dbSNP rs1662719789, ClinGen allele CA345556041.